The following is an entry in ClinVar:

NM_001112732.3(MCF2L):c.1295G>A (p.Arg432His)

Gene: MCF2L (MCF.2 cell line derived transforming sequence like; plus strand). Cytogenetic location: 13q34.
Variant type: single nucleotide variant.
Coding change: c.1295G>A on transcript NM_001112732.3 (MANE Select); coding-DNA position 1295, G replaced by A.
Protein change: p.Arg432His; replaces arginine 432 with histidine.
Molecular consequence: missense variant.
Genome position (GRCh38, 1-based): chr13:113,075,176, G>A. VCF-style: chr13-113075176-G-A. GRCh37 (hg19) VCF-style: chr13-113729490-G-A.
Other names: c.1181G>A, p.Arg394His (NM_001366645.2, NM_001366646.2); c.1289G>A, p.Arg430His (NM_024979.5, NM_001320815.2, NM_001320817.2); c.1307G>A, p.Arg436His (NM_001320816.2); c.1208G>A, p.Arg403His (NM_001366644.2); short protein forms R394H, R432H, R430H, R436H, R403H.
Identifiers: ClinVar variation 2212151 (VCV002212151.26), dbSNP rs138339540, ClinGen allele CA7058775.

ClinVar aggregate classification (germline): Conflicting classifications of pathogenicity. Review status: criteria provided, conflicting classifications (1 of 4 stars). 2 submissions from 2 submitters: Uncertain significance (1); Likely benign (1). Last evaluated 2022-05-01.

Allele frequency attached by ClinVar (database versions not stated): gnomAD exomes 0.00012; ExAC 0.00036; 1000 Genomes Project 30x 0.00078; 1000 Genomes Project 0.00080; gnomAD 0.00084; ESP Exome Variant Server 0.00085.
gnomAD v4.1: 318 of 1,596,512 alleles (0.02%); highest among the groups gnomAD compares: African/African-American, 0.29%; 1 homozygote.

Submissions (2):

CeGaT Center for Human Genetics Tuebingen
Classification: Likely benign. Last evaluated: 2022-05-01. Review status: criteria provided, single submitter. Criteria: CeGaT Center For Human Genetics Tuebingen Variant Classification Criteria Version 2. Collection method: clinical testing. Allele origin: germline. Affected: yes. Observed: 2 variant alleles.
Comment: MCF2L: BP4

Ambry Genetics
Classification: Uncertain significance. Last evaluated: 2021-08-17. Review status: criteria provided, single submitter. Criteria: Ambry Variant Classification Scheme 2023. Collection method: clinical testing. Allele origin: germline.